The following is an entry in ClinVar:

NM_005559.4(LAMA1):c.4618G>A (p.Asp1540Asn)

Gene: LAMA1 (laminin subunit alpha 1; minus strand). Cytogenetic location: 18p11.31.
Variant type: single nucleotide variant.
Coding change: c.4618G>A on transcript NM_005559.4 (MANE Select); coding-DNA position 4618, G replaced by A.
Protein change: p.Asp1540Asn; replaces aspartic acid 1540 with asparagine.
Molecular consequence: missense variant.
Genome position (GRCh38, 1-based): chr18:6,999,490, C>T on the plus strand (G>A on the coding strand, the complement: LAMA1 is on the minus strand). VCF-style: chr18-6999490-C-T. GRCh37 (hg19) VCF-style: chr18-6999489-C-T.
Other names: short protein forms D1540N.
Identifiers: ClinVar variation 1558767 (VCV001558767.12), dbSNP rs373453681, ClinGen allele CA8881863.

ClinVar aggregate classification (germline): Conflicting classifications of pathogenicity. Review status: criteria provided, conflicting classifications (1 of 4 stars). 3 submissions from 3 submitters: Uncertain significance (1); Benign (1); Likely benign (1). Last evaluated 2025-09-16.

Conditions:
Inborn genetic diseases. Identifiers: MedGen C0950123, MeSH D030342.

Allele frequency attached by ClinVar (database versions not stated): TOPMed 0.00003; gnomAD 0.00004 and 0.00012; gnomAD exomes 0.00006 and 0.00018; ExAC 0.00015; 1000 Genomes Project 30x 0.00141; 1000 Genomes Project 0.00160.
gnomAD v4.1: 135 of 1,614,158 alleles (0.0084%); highest among the groups gnomAD compares: East Asian, 0.085%; 1 homozygote.

Submissions (3):

Labcorp Genetics (formerly Invitae), Labcorp
Classification: Benign. Last evaluated: 2025-09-16. Review status: criteria provided, single submitter. Criteria: Invitae Variant Classification Sherloc (09022015). Collection method: clinical testing. Allele origin: germline.

GeneDx
Classification: Uncertain significance. Last evaluated: 2024-06-13. Review status: criteria provided, single submitter. Criteria: GeneDx Variant Classification Process June 2021. Collection method: clinical testing. Allele origin: germline. Affected: yes.
Comment: In silico analysis supports that this missense variant has a deleterious effect on protein structure/function; Has not been previously published as pathogenic or benign to our knowledge

Ambry Genetics
Classification: Likely benign for Inborn genetic diseases. Last evaluated: 2023-10-14. Review status: criteria provided, single submitter. Criteria: Ambry Variant Classification Scheme 2023. Collection method: clinical testing. Allele origin: germline.